The following is an entry in ClinVar:

ClinVar aggregate classification (germline): Uncertain significance (1 of 4 stars; one submission).

Allele frequency attached by ClinVar (database versions not stated): gnomAD exomes below 0.00001 and 0.00001; TOPMed below 0.00001; gnomAD 0.00001; ExAC 0.00002; ESP Exome Variant Server 0.00008.
gnomAD v4.1: 6 of 1,611,956 alleles (0.00037%); highest among the groups gnomAD compares: Non-Finnish European, 0.00051%; no homozygotes.

Submission:

Labcorp Genetics (formerly Invitae), Labcorp
Classification: Uncertain significance. Last evaluated: 2025-07-14. Review status: criteria provided, single submitter. Criteria: Invitae Variant Classification Sherloc (09022015). Collection method: clinical testing. Allele origin: germline.
Comment: This sequence change replaces cysteine, which is neutral and slightly polar, with tyrosine, which is neutral and polar, at codon 413 of the AGPS protein (p.Cys413Tyr). This variant is present in population databases (rs377171234, gnomAD 0.003%). This variant has not been reported in the literature in individuals affected with AGPS-related conditions. ClinVar contains an entry for this variant (Variation ID: 1420332). Invitae Evidence Modeling of protein sequence and biophysical properties (such as structural, functional, and spatial information, amino acid conservation, physicochemical variation, residue mobility, and thermodynamic stability) indicates that this missense variant is not expected to disrupt AGPS protein function with a negative predictive value of 80%. In summary, the available evidence is currently insufficient to determine the role of this variant in disease. Therefore, it has been classified as a Variant of Uncertain Significance.

NM_003659.4(AGPS):c.1238G>A (p.Cys413Tyr)

Gene: AGPS (alkylglycerone phosphate synthase; plus strand). Cytogenetic location: 2q31.2.
Variant type: single nucleotide variant.
Coding change: c.1238G>A on transcript NM_003659.4 (MANE Select); coding-DNA position 1238, G replaced by A.
Protein change: p.Cys413Tyr; replaces cysteine 413 with tyrosine.
Molecular consequence: missense variant.
Genome position (GRCh38, 1-based): chr2:177,493,152, G>A. VCF-style: chr2-177493152-G-A. GRCh37 (hg19) VCF-style: chr2-178357880-G-A.
Other names: short protein forms C413Y.
Identifiers: ClinVar variation 1420332 (VCV001420332.4), dbSNP rs377171234, ClinGen allele CA1980273.